The following is an entry in ClinVar:

NM_000303.3(PMM2):c.392del (p.Pro131fs)

Gene: PMM2 (phosphomannomutase 2; plus strand). Cytogenetic location: 16p13.2.
Variant type: Deletion.
Coding change: c.392del on transcript NM_000303.3 (MANE Select); coding-DNA position 392, one base deleted (C; older notation c.392delC).
Protein change: p.Pro131fs; shifts the reading frame from proline 131.
Molecular consequence: frameshift variant.
Genome position (GRCh38, 1-based): chr16:8,811,123, C deleted; the last of 4 consecutive C bases (chr16:8,811,120-8,811,123); deleting any one gives the same sequence. VCF-style (leftmost placement, unchanged base first): chr16-8811119-TC-T. GRCh37 (hg19) VCF-style: chr16-8904976-TC-T.
Other names: short protein forms P131fs.
Identifiers: ClinVar variation 545732 (VCV000545732.7), dbSNP rs1555449607, ClinGen allele CA658795305.

ClinVar aggregate classification (germline): Pathogenic/Likely pathogenic. Review status: criteria provided, multiple submitters, no conflicts (2 of 4 stars). 3 submissions from 3 submitters: Pathogenic (2); Likely pathogenic (1). Last evaluated 2018-05-25.

Conditions:
PMM2-congenital disorder of glycosylation. Also called: Congenital disorder of glycosylation, type Ia; CDG Ia; JAEKEN SYNDROME; PHOSPHOMANNOMUTASE 2 DEFICIENCY; CARBOHYDRATE-DEFICIENT GLYCOPROTEIN SYNDROME, TYPE Ia; PMM2-CDG. Identifiers: Orphanet 79318, MedGen C0349653, MONDO:0008907, OMIM 212065.

Submissions (3):

Eurofins Ntd Llc (ga)
Classification: Pathogenic. Last evaluated: 2018-05-25. Review status: criteria provided, single submitter. Criteria: EGL ClinVar v180209 classification definitions. Collection method: clinical testing. Allele origin: germline.

GeneDx
Classification: Pathogenic. Last evaluated: 2018-05-12. Review status: criteria provided, single submitter. Criteria: GeneDx Variant Classification (06012015). Collection method: clinical testing. Allele origin: germline. Affected: yes.
Comment: The c.392delC variant in the PMM2 gene has been reported previously, using alternate nomenclature c.398_399delC, in one individual with CDG-1a, however, it is unknown if this individual harbored a second PMM2 variant (Matthijs et al., 2000). The c.392delC variant causes a frameshift starting with codon Proline 131, changes this amino acid to a Leucine residue, and creates a premature Stop codon at position 23 of the new reading frame, denoted p.Pro131LeufsX23. This variant is predicted to cause loss of normal protein function either through protein truncation or nonsense-mediated mRNA decay. The c.392delC variant is not observed in large population cohorts (Lek et al., 2016). We interpret c.392delC as a pathogenic variant.

Women's Health and Genetics/Laboratory Corporation of America, LabCorp
Classification: Likely pathogenic for Carbohydrate-deficient glycoprotein syndrome type I. Last evaluated: 2018-05-09. Review status: criteria provided, single submitter. Criteria: LabCorp Variant Classification Summary - May 2015. Collection method: clinical testing. Allele origin: germline.
Comment: Variant summary: PMM2 c.392delC (p.Pro131LeufsX23) results in a premature termination codon, predicted to cause a truncation of the encoded protein or absence of the protein due to nonsense mediated decay, which are commonly known mechanisms for disease. The variant was absent in 31784 control chromosomes (ExAC). The variant, c.392delC, has been reported in the literature in at least one individual affected with Congenital Disorder of Glycosylation Type 1a (Matthijs_1999). To our knowledge, no experimental evidence demonstrating an impact on protein function has been reported. No clinical diagnostic laboratories have submitted clinical-significance assessments for this variant to ClinVar after 2014. Based on the evidence outlined above, the variant was classified as likely pathogenic.

Literature cited by the submitters: PubMed 10527672 (cited by Women's Health and Genetics/Laboratory Corporation of America, LabCorp).